The following is an entry in ClinVar:

NM_001177316.2(SLC34A3):c.561-46A>C

Gene: SLC34A3 (solute carrier family 34 member 3; plus strand). Cytogenetic location: 9q34.3.
Variant type: single nucleotide variant.
Coding change: c.561-46A>C on transcript NM_001177316.2 (MANE Select); 46 bases into the intron before coding-DNA position 561, A replaced by C.
Molecular consequence: intron variant.
Genome position (GRCh38, 1-based): chr9:137,233,163, A>C. VCF-style: chr9-137233163-A-C. GRCh37 (hg19) VCF-style: chr9-140127615-A-C.
Other names: c.561-46A>C (NM_001177317.2, NM_080877.3).
Identifiers: ClinVar variation 3033768 (VCV003033768.2), dbSNP rs1036573192, ClinGen allele CA201694862.

ClinVar aggregate classification (germline): Likely benign (0 of 4 stars; one submission).

Conditions:
SLC34A3-related disorder. Also called: SLC34A3-related condition.

Submission:

PreventionGenetics, part of Exact Sciences
Classification: Likely benign for SLC34A3-related condition. Last evaluated: 2023-11-28. Review status: no assertion criteria provided. Collection method: clinical testing. Allele origin: germline.
Comment: This variant is classified as likely benign based on ACMG/AMP sequence variant interpretation guidelines (Richards et al. 2015 PMID: 25741868, with internal and published modifications).